The following is an entry in ClinVar:

ClinVar aggregate classification (germline): Uncertain significance (1 of 4 stars; one submission).

Conditions:
Rhabdoid tumor predisposition syndrome 2 (RTPS2). Identifiers: Orphanet 231108, Orphanet 69077, MedGen C2750074, MONDO:0013224, OMIM 613325.

Submission:

Labcorp Genetics (formerly Invitae), Labcorp
Classification: Uncertain significance for Rhabdoid tumor predisposition syndrome 2. Last evaluated: 2023-12-31. Review status: criteria provided, single submitter. Criteria: Invitae Variant Classification Sherloc (09022015). Collection method: clinical testing. Allele origin: germline.
Comment: This sequence change replaces tyrosine, which is neutral and polar, with cysteine, which is neutral and slightly polar, at codon 862 of the SMARCA4 protein (p.Tyr862Cys). This variant is not present in population databases (gnomAD no frequency). This variant has not been reported in the literature in individuals affected with SMARCA4-related conditions. Advanced modeling of protein sequence and biophysical properties (such as structural, functional, and spatial information, amino acid conservation, physicochemical variation, residue mobility, and thermodynamic stability) performed at Invitae indicates that this missense variant is expected to disrupt SMARCA4 protein function with a positive predictive value of 95%. In summary, the available evidence is currently insufficient to determine the role of this variant in disease. Therefore, it has been classified as a Variant of Uncertain Significance.

NM_003072.5(SMARCA4):c.2585A>G (p.Tyr862Cys)

Gene: SMARCA4 (SWI/SNF related BAF chromatin remodeling complex subunit ATPase 4; plus strand). Cytogenetic location: 19p13.2.
Variant type: single nucleotide variant.
Coding change: c.2585A>G on transcript NM_003072.5 (MANE Select); coding-DNA position 2585, A replaced by G.
Protein change: p.Tyr862Cys; replaces tyrosine 862 with cysteine.
Molecular consequence: missense variant. On other transcripts: non-coding transcript variant (1).
Genome position (GRCh38, 1-based): chr19:11,019,670, A>G. VCF-style: chr19-11019670-A-G. GRCh37 (hg19) VCF-style: chr19-11130346-A-G.
Other names: c.2585A>G, p.Tyr862Cys (NM_001128844.3, NM_001128845.2, NM_001128846.2 and 6 more transcripts); short protein forms Y862C.
Identifiers: ClinVar variation 2750772 (VCV002750772.3), dbSNP rs2146375739, ClinGen allele CA404054684.